The following is an entry in ClinVar:

ClinVar aggregate classification (germline): Pathogenic (1 of 4 stars; one submission).

Submission:

Labcorp Genetics (formerly Invitae), Labcorp
Classification: Pathogenic. Last evaluated: 2025-03-17. Review status: criteria provided, single submitter. Criteria: Invitae Variant Classification Sherloc (09022015). Collection method: clinical testing. Allele origin: germline.
Comment: This sequence change creates a premature translational stop signal (p.Glu40*) in the FZD4 gene. It is expected to result in an absent or disrupted protein product. Loss-of-function variants in FZD4 are known to be pathogenic (PMID: 2766845, 15035989, 25711638, 26244290). This variant is not present in population databases (gnomAD no frequency). This premature translational stop signal has been observed in individuals with familial exudative vitreoretinopathy (PMID: 25711638, 31987760). ClinVar contains an entry for this variant (Variation ID: 1071058). For these reasons, this variant has been classified as Pathogenic.

Literature cited by the submitters: PubMed 2766845; PubMed 15035989; PubMed 25711638; PubMed 26244290; PubMed 31987760.

NM_012193.4(FZD4):c.118G>T (p.Glu40Ter)

Gene: FZD4 (frizzled class receptor 4; minus strand). Cytogenetic location: 11q14.2.
Variant type: single nucleotide variant.
Coding change: c.118G>T on transcript NM_012193.4 (MANE Select); coding-DNA position 118, G replaced by T.
Protein change: p.Glu40Ter; replaces glutamic acid 40 with a stop codon.
Molecular consequence: nonsense.
Genome position (GRCh38, 1-based): chr11:86,954,968, C>A on the plus strand (G>T on the coding strand, the complement: FZD4 is on the minus strand). VCF-style: chr11-86954968-C-A. GRCh37 (hg19) VCF-style: chr11-86666010-C-A.
Other names: short protein forms E40*.
Identifiers: ClinVar variation 1071058 (VCV001071058.9), dbSNP rs139401671, ClinGen allele CA382018481.